The following is an entry in ClinVar:

ClinVar aggregate classification (germline): Likely pathogenic (0 of 4 stars; one submission).

Conditions:
COL4A5-related disorder. Also called: COL4A5-related condition.

Submission:

PreventionGenetics, part of Exact Sciences
Classification: Likely pathogenic for COL4A5-related condition. Last evaluated: 2024-01-25. Review status: no assertion criteria provided. Collection method: clinical testing. Allele origin: germline.
Comment: The COL4A5 c.4180G>T variant is predicted to result in premature protein termination (p.Gly1394*). To our knowledge, this variant has not been reported in the literature or in a large population database, indicating this variant is rare. Nonsense variants in COL4A5 are expected to be pathogenic. This variant is interpreted as likely pathogenic.

NM_033380.3(COL4A5):c.4198G>T (p.Gly1400Ter)

Gene: COL4A5 (collagen type IV alpha 5 chain; plus strand). Cytogenetic location: Xq22.3.
Variant type: single nucleotide variant.
Coding change: c.4198G>T on transcript NM_033380.3 (MANE Select); coding-DNA position 4198, G replaced by T.
Protein change: p.Gly1400Ter; replaces glycine 1400 with a stop codon.
Molecular consequence: nonsense.
Genome position (GRCh38, 1-based): chrX:108,681,870, G>T. VCF-style: chrX-108681870-G-T. GRCh37 (hg19) VCF-style: chrX-107925100-G-T.
Other names: c.4180G>T, p.Gly1394Ter (NM_000495.5); short protein forms G1394*, G1400*.
Identifiers: ClinVar variation 3039415 (VCV003039415.2), dbSNP rs104886407, ClinGen allele CA413852419.
Genomic context (GRCh38, chrX:108,681,870, plus strand): 5'-GATGCTGGTCCTCCAGGAATCCCTGGCCAGCCTGGGCTAAAGGGTCTACCAGGACCCCAA[G>T]GACCTCAAGGCTTACCAGGTACCAATGCAGATCATCTTTATTATCATTATTATACTTTTA-3'